The following is an entry in ClinVar:

ClinVar aggregate classification (germline): Uncertain significance. Review status: criteria provided, multiple submitters, no conflicts (2 of 4 stars). 3 submissions from 3 submitters: Uncertain significance (3). Last evaluated 2024-09-25.

Conditions:
Marinesco-Sjögren syndrome (MSS). Also called: Marinesco-SjÃ¶gren syndrome; Marinesco-Sjogren Syndrome. Identifiers: Orphanet 559, MedGen C0024814, MONDO:0009567, OMIM 248800.

Allele frequency attached by ClinVar (database versions not stated): TOPMed 0.00001; gnomAD 0.00003 and 0.00004.
gnomAD v4.1: 7 of 1,564,446 alleles (0.00045%); highest among the groups gnomAD compares: African/African-American, 0.0095%; no homozygotes.

Submissions (3):

Revvity Omics, Revvity
Classification: Uncertain significance for Marinesco-Sjögren syndrome. Last evaluated: 2024-09-25. Review status: criteria provided, single submitter. Criteria: ACMG Guidelines, 2015. Collection method: clinical testing. Allele origin: germline.

Athena Diagnostics
Classification: Uncertain significance. Last evaluated: 2020-08-13. Review status: criteria provided, single submitter. Criteria: Athena Diagnostics Criteria. Collection method: clinical testing. Allele origin: unknown.

Institute of Human Genetics, University of Leipzig Medical Center
Classification: Uncertain significance for Marinesco-Sjögren syndrome. Last evaluated: 2019-01-01. Review status: criteria provided, single submitter. Criteria: ACMG Guidelines, 2015. Collection method: clinical testing. Allele origin: unknown. Affected: yes.
Comment: This variant was identified as compound heterozygous.

NM_022464.5(SIL1):c.902C>T (p.Pro301Leu)

Gene: SIL1 (SIL1 nucleotide exchange factor; minus strand). Cytogenetic location: 5q31.2.
Variant type: single nucleotide variant.
Coding change: c.902C>T on transcript NM_022464.5 (MANE Select); coding-DNA position 902, C replaced by T.
Protein change: p.Pro301Leu; replaces proline 301 with leucine.
Molecular consequence: missense variant.
Genome position (GRCh38, 1-based): chr5:138,951,298, G>A on the plus strand (C>T on the coding strand, the complement: SIL1 is on the minus strand). VCF-style: chr5-138951298-G-A. GRCh37 (hg19) VCF-style: chr5-138286987-G-A.
Other names: c.902C>T, p.Pro301Leu (NM_001037633.2); short protein forms P301L.
Identifiers: ClinVar variation 982813 (VCV000982813.3), dbSNP rs1478296366, ClinGen allele CA361137690.